The following is an entry in ClinVar:

ClinVar aggregate classification (germline): Uncertain significance. Review status: criteria provided, multiple submitters, no conflicts (2 of 4 stars). 5 submissions from 5 submitters: Uncertain significance (5). Last evaluated 2025-10-13.

Conditions:
Fanconi anemia complementation group N. Also called: PALB2-Related Fanconi Anemia. Identifiers: Orphanet 84, MedGen C1835817, MONDO:0012565, OMIM 610832. Disease mechanism: loss of function.
PALB2-related cancer predisposition. Identifiers: MedGen CN377761, MONDO:0700272.
PALB2-related disorder. Also called: PALB2-related condition; PALB2-related disorders.
Hereditary cancer-predisposing syndrome. Also called: Tumor predisposition; Neoplastic Syndromes, Hereditary; Hereditary Cancer Syndrome; Hereditary neoplastic syndrome. Identifiers: Orphanet 140162, MedGen C0027672, MeSH D009386, MONDO:0015356.
Familial cancer of breast. Also called: Hereditary breast cancer; BREAST CANCER, FAMILIAL; hereditary breast carcinoma. Identifiers: Orphanet 227535, MedGen C0346153, MONDO:0016419, OMIM 114480. Disease mechanism: loss of function.

Allele frequency attached by ClinVar (database versions not stated): ExAC 0.00001; gnomAD exomes 0.00001; ESP Exome Variant Server 0.00008.

Submissions (5):

Labcorp Genetics (formerly Invitae), Labcorp
Classification: Uncertain significance for Familial cancer of breast. Last evaluated: 2025-10-13. Review status: criteria provided, single submitter. Criteria: Invitae Variant Classification Sherloc (09022015). Collection method: clinical testing. Allele origin: germline.
Comment: This sequence change replaces phenylalanine, which is neutral and non-polar, with leucine, which is neutral and non-polar, at codon 404 of the PALB2 protein (p.Phe404Leu). This variant is present in population databases (rs148921082, gnomAD 0.003%). This variant has not been reported in the literature in individuals affected with PALB2-related conditions. ClinVar contains an entry for this variant (Variation ID: 410195). Invitae Evidence Modeling of protein sequence and biophysical properties (such as structural, functional, and spatial information, amino acid conservation, physicochemical variation, residue mobility, and thermodynamic stability) indicates that this missense variant is expected to disrupt PALB2 protein function with a positive predictive value of 80%. Experimental studies have shown that this missense change does not substantially affect PALB2 function (PMID: 29387807, 33964450). In summary, the available evidence is currently insufficient to determine the role of this variant in disease. Therefore, it has been classified as a Variant of Uncertain Significance.

Ambry Genetics
Classification: Uncertain significance for Hereditary cancer-predisposing syndrome. Last evaluated: 2023-12-01. Review status: criteria provided, single submitter. Criteria: Ambry Variant Classification Scheme 2023. Collection method: clinical testing. Allele origin: germline.
Comment: The p.F404L variant (also known as c.1212T>G), located in coding exon 4 of the PALB2 gene, results from a T to G substitution at nucleotide position 1212. The phenylalanine at codon 404 is replaced by leucine, an amino acid with highly similar properties. A functional analysis assessing the impact of missense alterations in the PALB2 chromatin association motif (ChAM) demonstrated that this alteration does not appear to impair or hinder chromatin association (Bleuyard JY et al. Wellcome Open Res, 2017 Nov;2:110). This amino acid position is highly conserved in available vertebrate species. In addition, the in silico prediction for this alteration is inconclusive. Since supporting evidence is limited at this time, the clinical significance of this alteration remains unclear.

PreventionGenetics, part of Exact Sciences
Classification: Uncertain significance for PALB2-related condition. Last evaluated: 2023-06-19. Review status: criteria provided, single submitter. Criteria: ACMG Guidelines, 2015. Collection method: clinical testing. Allele origin: germline.
Comment: The PALB2 c.1212T>G variant is predicted to result in the amino acid substitution p.Phe404Leu. To our knowledge, this variant has not been reported in the literature in individuals with PALB2-related disorders. A functional study of this variant showed no obvious defects on chromatin association (Bleuyard JY et al 2017. PubMed ID: 29387807). This variant is reported in 0.0029% of alleles in individuals of Latino descent in gnomAD. In ClinVar, this variant is classified as uncertain. At this time, the clinical significance of this variant is uncertain due to the absence of conclusive functional and genetic evidence.

GeneDx
Classification: Uncertain significance. Last evaluated: 2020-07-13. Review status: criteria provided, single submitter. Criteria: GeneDx Variant Classification Process June 2021. Collection method: clinical testing. Allele origin: germline. Affected: yes.
Comment: Published functional studies demonstrated no obvious defect in chromatin association (Bleuyard et al., 2017); Not observed at a significant frequency in large population cohorts (Lek et al., 2016); In silico analysis supports that this missense variant has a deleterious effect on protein structure/function; This variant is associated with the following publications: (PMID: 29387807)

Color Diagnostics, LLC DBA Color Health
Classification: Uncertain significance for Hereditary cancer-predisposing syndrome. Last evaluated: 2018-09-05. Review status: criteria provided, single submitter. Criteria: ACMG Guidelines, 2015. Collection method: clinical testing. Allele origin: germline.

Literature cited by the submitters: PubMed 29387807 (cited by Labcorp Genetics (formerly Invitae), Labcorp and Ambry Genetics); PubMed 33964450 (cited by Labcorp Genetics (formerly Invitae), Labcorp).

NM_024675.4(PALB2):c.1212T>G (p.Phe404Leu)

Gene: PALB2 (partner and localizer of BRCA2; minus strand). Cytogenetic location: 16p12.2.
Variant type: single nucleotide variant.
Coding change: c.1212T>G on transcript NM_024675.4 (MANE Select); coding-DNA position 1212, T replaced by G.
Protein change: p.Phe404Leu; replaces phenylalanine 404 with leucine.
Molecular consequence: missense variant.
Genome position (GRCh38, 1-based): chr16:23,635,334, A>C on the plus strand (T>G on the coding strand, the complement: PALB2 is on the minus strand). VCF-style: chr16-23635334-A-C. GRCh37 (hg19) VCF-style: chr16-23646655-A-C.
Other names: short protein forms F404L.
Identifiers: ClinVar variation 410195 (VCV000410195.21), dbSNP rs148921082, ClinGen allele CA7963724.